The following is an entry in ClinVar:

NM_031206.7(LAS1L):c.802A>G (p.Arg268Gly)

Gene: LAS1L (LAS1 like ribosome biogenesis factor; minus strand). Cytogenetic location: Xq12.
Variant type: single nucleotide variant.
Coding change: c.802A>G on transcript NM_031206.7 (MANE Select); coding-DNA position 802, A replaced by G.
Protein change: p.Arg268Gly; replaces arginine 268 with glycine.
Molecular consequence: missense variant. On other transcripts: synonymous variant (1), non-coding transcript variant (1).
Genome position (GRCh38, 1-based): chrX:65,529,256, T>C on the plus strand (A>G on the coding strand, the complement: LAS1L is on the minus strand). VCF-style: chrX-65529256-T-C. GRCh37 (hg19) VCF-style: chrX-64749136-T-C.
Other names: c.802A>G, p.Arg268Gly (NM_001170649.2, NM_001375328.1, NM_001375329.1 and 8 more transcripts); c.676A>G, p.Arg226Gly (NM_001170650.2); c.6A>G, p.Lys2= (NM_001375332.1); short protein forms R226G, R268G.
Identifiers: ClinVar variation 3903155 (VCV003903155.1).

ClinVar aggregate classification (germline): Uncertain significance (1 of 4 stars; one submission).

Submission:

GeneDx
Classification: Uncertain significance. Last evaluated: 2024-12-16. Review status: criteria provided, single submitter. Criteria: GeneDx Variant Classification Process June 2021. Collection method: clinical testing. Allele origin: germline. Affected: yes.
Comment: Not observed at significant frequency in large population cohorts (gnomAD); In silico analysis supports that this missense variant has a deleterious effect on protein structure/function; In silico analysis supports a deleterious effect on splicing; Has not been previously published as pathogenic or benign to our knowledge